The following is an entry in ClinVar:

ClinVar aggregate classification (germline): Uncertain significance (1 of 4 stars; one submission).

Conditions:
TNF receptor-associated periodic fever syndrome (TRAPS) (FPF). Also called: FAMILIAL HIBERNIAN FEVER; TNF RECEPTOR-ASSOCIATED PERIODIC SYNDROME; TUMOR NECROSIS FACTOR RECEPTOR-ASSOCIATED PERIODIC SYNDROME; Autosomal Dominant Familial Periodic Fever; TNF Receptor-Associated Periodic Fever Syndrome; TNF receptor 1-associated periodic fever syndrome. Identifiers: Orphanet 32960, MedGen C1275126, MONDO:0007727, OMIM 142680.

Submission:

Labcorp Genetics (formerly Invitae), Labcorp
Classification: Uncertain significance for TNF receptor-associated periodic fever syndrome (TRAPS). Last evaluated: 2025-12-24. Review status: criteria provided, single submitter. Criteria: Invitae Variant Classification Sherloc (09022015). Collection method: clinical testing. Allele origin: germline.
Comment: This sequence change replaces leucine, which is neutral and non-polar, with proline, which is neutral and non-polar, at codon 140 of the TNFRSF1A protein (p.Leu140Pro). This variant is not present in population databases (gnomAD no frequency). This variant has not been reported in the literature in individuals affected with TNFRSF1A-related conditions. Invitae Evidence Modeling of protein sequence and biophysical properties (such as structural, functional, and spatial information, amino acid conservation, physicochemical variation, residue mobility, and thermodynamic stability) has been performed for this missense variant. However, the output from this modeling did not meet the statistical confidence thresholds required to predict the impact of this variant on TNFRSF1A protein function. In summary, the available evidence is currently insufficient to determine the role of this variant in disease. Therefore, it has been classified as a Variant of Uncertain Significance.

NM_001065.4(TNFRSF1A):c.419T>C (p.Leu140Pro)

Gene: TNFRSF1A (TNF receptor superfamily member 1A; minus strand). Cytogenetic location: 12p13.31.
Variant type: single nucleotide variant.
Coding change: c.419T>C on transcript NM_001065.4 (MANE Select); coding-DNA position 419, T replaced by C.
Protein change: p.Leu140Pro; replaces leucine 140 with proline.
Molecular consequence: missense variant. On other transcripts: 5 prime UTR variant (1), non-coding transcript variant (1).
Genome position (GRCh38, 1-based): chr12:6,333,420, A>G on the plus strand (T>C on the coding strand, the complement: TNFRSF1A is on the minus strand). VCF-style: chr12-6333420-A-G. GRCh37 (hg19) VCF-style: chr12-6442586-A-G.
Other names: c.95T>C, p.Leu32Pro (NM_001346091.2); c.-159T>C (NM_001346092.2); short protein forms L140P, L32P.
Identifiers: ClinVar variation 4801151 (VCV004801151.1).
Genomic context (GRCh38, chr12:6,333,420, plus strand): 5'-CGCTCACAGGAGAGGTGCACGGTCCCATTGAGGCAGAGGCTGCAATTGAAGCACTGGAAA[A>G]GGTTTTCACTCCAATAATGCCGGTACTGGTTCTTCCTGCAGCCACACACGGTGTCCCGGT-3'
Protein context (NP_001056.1, residues 130-150): NQYRHYWSEN[Leu140Pro]FQCFNCSLCL